The following is an entry in ClinVar:

NM_005378.6(MYCN):c.109T>A (p.Phe37Ile)

Genes: MYCN (MYCN proto-oncogene, bHLH transcription factor; plus strand), MYCNOS (MYCN opposite strand; minus strand). Cytogenetic location: 2p24.3.
Variant type: single nucleotide variant.
Coding change: c.109T>A on transcript NM_005378.6 (MANE Select); coding-DNA position 109, T replaced by A.
Protein change: p.Phe37Ile; replaces phenylalanine 37 with isoleucine.
Molecular consequence: missense variant. On other transcripts: non-coding transcript variant (1), 3 prime UTR variant (1), intron variant (1).
Genome position (GRCh38, 1-based): chr2:15,942,173, T>A. VCF-style: chr2-15942173-T-A. GRCh37 (hg19) VCF-style: chr2-16082295-T-A.
Other names: c.109T>A, p.Phe37Ile (NM_001293228.2); c.*44T>A (NM_001293233.2); c.157+1430T>A (NM_001293231.2); short protein forms F37I.
Identifiers: ClinVar variation 3619836 (VCV003619836.2).

ClinVar aggregate classification (germline): Uncertain significance (1 of 4 stars; one submission).

Submission:

Labcorp Genetics (formerly Invitae), Labcorp
Classification: Uncertain significance. Last evaluated: 2024-11-30. Review status: criteria provided, single submitter. Criteria: Invitae Variant Classification Sherloc (09022015). Collection method: clinical testing. Allele origin: germline.
Comment: This sequence change replaces phenylalanine, which is neutral and non-polar, with isoleucine, which is neutral and non-polar, at codon 37 of the MYCN protein (p.Phe37Ile). This variant is present in population databases (no rsID available, gnomAD 0.002%). This variant has not been reported in the literature in individuals affected with MYCN-related conditions. Invitae Evidence Modeling of protein sequence and biophysical properties (such as structural, functional, and spatial information, amino acid conservation, physicochemical variation, residue mobility, and thermodynamic stability) indicates that this missense variant is not expected to disrupt MYCN protein function with a negative predictive value of 95%. In summary, the available evidence is currently insufficient to determine the role of this variant in disease. Therefore, it has been classified as a Variant of Uncertain Significance.